The following is an entry in ClinVar:

ClinVar aggregate classification (germline): Uncertain significance (1 of 4 stars; one submission).

Conditions:
Hereditary pancreatitis (PCTT). Also called: Hereditary chronic pancreatitis; PRSS1-Related Hereditary Pancreatitis. Identifiers: Orphanet 676, MedGen C0238339, MONDO:0008185, OMIM 167800.

Allele frequency attached by ClinVar (database versions not stated): gnomAD 0.00001.
gnomAD v4.1: 1 of 1,612,920 alleles (0.000062%); highest among the groups gnomAD compares: Non-Finnish European, 0.000085%; no homozygotes.

Submission:

Ambry Genetics
Classification: Uncertain significance for Hereditary pancreatitis. Last evaluated: 2024-12-13. Review status: criteria provided, single submitter. Criteria: Ambry Variant Classification Scheme 2023. Collection method: clinical testing. Allele origin: germline.
Comment: The p.A221V variant (also known as c.662C>T), located in coding exon 5 of the PRSS1 gene, results from a C to T substitution at nucleotide position 662. The alanine at codon 221 is replaced by valine, an amino acid with similar properties. This amino acid position is conserved. In addition, this alteration is predicted to be deleterious by in silico analysis. Since supporting evidence is limited at this time, the clinical significance of this alteration remains unclear.

NM_002769.5(PRSS1):c.662C>T (p.Ala221Val)

Genes: TRB (T cell receptor beta locus; plus strand), PRSS1 (serine protease 1; plus strand). Cytogenetic location: 7q34.
Variant type: single nucleotide variant.
Coding change: c.662C>T on transcript NM_002769.5 (MANE Select); coding-DNA position 662, C replaced by T.
Protein change: p.Ala221Val; replaces alanine 221 with valine.
Molecular consequence: missense variant. On other transcripts: non-coding transcript variant (5).
Genome position (GRCh38, 1-based): chr7:142,752,938, C>T. VCF-style: chr7-142752938-C-T. GRCh37 (hg19) VCF-style: chr7-142460789-C-T.
Other names: short protein forms A221V.
Identifiers: ClinVar variation 1754563 (VCV001754563.3), dbSNP rs1563263174, ClinGen allele CA369610761.